The following is an entry in ClinVar:

ClinVar aggregate classification (germline): Uncertain significance (1 of 4 stars; one submission).

gnomAD v4.1: 9 of 1,614,138 alleles (0.00056%); highest among the groups gnomAD compares: Non-Finnish European, 0.00076%; no homozygotes.

Submission:

Labcorp Genetics (formerly Invitae), Labcorp
Classification: Uncertain significance. Last evaluated: 2024-06-02. Review status: criteria provided, single submitter. Criteria: Invitae Variant Classification Sherloc (09022015). Collection method: clinical testing. Allele origin: germline.
Comment: This sequence change replaces alanine, which is neutral and non-polar, with valine, which is neutral and non-polar, at codon 420 of the NFE2L2 protein (p.Ala420Val). This variant is present in population databases (no rsID available, gnomAD 0.0009%). This variant has not been reported in the literature in individuals affected with NFE2L2-related conditions. Advanced modeling of protein sequence and biophysical properties (such as structural, functional, and spatial information, amino acid conservation, physicochemical variation, residue mobility, and thermodynamic stability) performed at Invitae indicates that this missense variant is not expected to disrupt NFE2L2 protein function with a negative predictive value of 80%. In summary, the available evidence is currently insufficient to determine the role of this variant in disease. Therefore, it has been classified as a Variant of Uncertain Significance.

NM_006164.5(NFE2L2):c.1259C>T (p.Ala420Val)

Gene: NFE2L2 (NFE2 like bZIP transcription factor 2; minus strand). Cytogenetic location: 2q31.2.
Variant type: single nucleotide variant.
Coding change: c.1259C>T on transcript NM_006164.5 (MANE Select); coding-DNA position 1259, C replaced by T.
Protein change: p.Ala420Val; replaces alanine 420 with valine.
Molecular consequence: missense variant.
Genome position (GRCh38, 1-based): chr2:177,231,344, G>A on the plus strand (C>T on the coding strand, the complement: NFE2L2 is on the minus strand). VCF-style: chr2-177231344-G-A. GRCh37 (hg19) VCF-style: chr2-178096072-G-A.
Other names: c.1190C>T, p.Ala397Val (NM_001145413.3); c.1211C>T, p.Ala404Val (NM_001313900.1, NM_001313901.1, NM_001145412.3); c.1169C>T, p.Ala390Val (NM_001313902.2); c.1040C>T, p.Ala347Val (NM_001313903.2); c.959C>T, p.Ala320Val (NM_001313904.1); short protein forms A320V, A347V, A390V, A397V, A404V, A420V.
Identifiers: ClinVar variation 3608814 (VCV003608814.2).
Genomic context (GRCh38, chr2:177,231,344, plus strand): 5'-GGGGTTTTCCGATGACCAGGACTTACAGGCAATTCTTTCTCTGGTGTGTTCTCACATTGG[G>A]CATCATGCACGTGAGTGCTCTGCCCCTGAGATGGTGACAAGGGTTGTACCATATCCCCAG-3'
Protein context (NP_006155.2, residues 410-430): SQGQSTHVHD[Ala420Val]QCENTPEKEL